The following is an entry in ClinVar:

ClinVar aggregate classification (germline): Uncertain significance (1 of 4 stars; one submission).

gnomAD v4.1: 9 of 1,599,568 alleles (0.00056%); highest among the groups gnomAD compares: Non-Finnish European, 0.00077%; no homozygotes.

Submission:

Labcorp Genetics (formerly Invitae), Labcorp
Classification: Uncertain significance. Last evaluated: 2022-03-17. Review status: criteria provided, single submitter. Criteria: Invitae Variant Classification Sherloc (09022015). Collection method: clinical testing. Allele origin: germline.
Comment: Algorithms developed to predict the effect of missense changes on protein structure and function output the following: SIFT: "Tolerated"; PolyPhen-2: "Benign"; Align-GVGD: "Class C0". The glycine amino acid residue is found in multiple mammalian species, which suggests that this missense change does not adversely affect protein function. This sequence change replaces serine, which is neutral and polar, with glycine, which is neutral and non-polar, at codon 1274 of the SBF1 protein (p.Ser1274Gly). This variant is not present in population databases (gnomAD no frequency). This variant has not been reported in the literature in individuals affected with SBF1-related conditions. In summary, the available evidence is currently insufficient to determine the role of this variant in disease. Therefore, it has been classified as a Variant of Uncertain Significance.

NM_002972.4(SBF1):c.3820A>G (p.Ser1274Gly)

Gene: SBF1 (SET binding factor 1; minus strand). Cytogenetic location: 22q13.33.
Variant type: single nucleotide variant.
Coding change: c.3820A>G on transcript NM_002972.4 (MANE Select); coding-DNA position 3820, A replaced by G.
Protein change: p.Ser1274Gly; replaces serine 1274 with glycine.
Molecular consequence: missense variant.
Genome position (GRCh38, 1-based): chr22:50,459,261, T>C on the plus strand (A>G on the coding strand, the complement: SBF1 is on the minus strand). VCF-style: chr22-50459261-T-C. GRCh37 (hg19) VCF-style: chr22-50897690-T-C.
Other names: c.3823A>G, p.Ser1275Gly (NM_001365819.1, NM_001410794.1); c.3820A>G, p.Ser1274Gly (NM_001410795.1, NM_197971.1); short protein forms S1275G, S1274G.
Identifiers: ClinVar variation 1949147 (VCV001949147.5), dbSNP rs2067394630, ClinGen allele CA412202718.